The following is an entry in ClinVar:

ClinVar aggregate classification (germline): Likely benign. Review status: criteria provided, multiple submitters, no conflicts (2 of 4 stars). 3 submissions from 3 submitters: Likely benign (3). Last evaluated 2026-06-15.

Conditions:
ABCA1-related disorder. Also called: ABCA1-related disorders; ABCA1-related condition. Identifiers: MedGen CN239173.
Cardiovascular phenotype. Identifiers: MedGen CN230736.

Allele frequency attached by ClinVar (database versions not stated): gnomAD 0.00006 and 0.00007; gnomAD exomes 0.00007 and 0.00009; TOPMed 0.00009; ExAC 0.00011; ESP Exome Variant Server 0.00015; 1000 Genomes Project 0.00020; 1000 Genomes Project 30x 0.00031.
gnomAD v4.1: 107 of 1,614,062 alleles (0.0066%); highest among the groups gnomAD compares: African/African-American, 0.016%; no homozygotes.

Submissions (3):

PreventionGenetics, part of Exact Sciences
Classification: Likely benign for ABCA1-related condition. Last evaluated: 2026-06-15. Review status: criteria provided, single submitter. Criteria: ACMG Guidelines, 2015. Collection method: clinical testing. Allele origin: germline.
Comment: This variant is classified as likely benign based on ACMG/AMP sequence variant interpretation guidelines (Richards et al. 2015 PMID: 25741868, with internal and published modifications).

Labcorp Genetics (formerly Invitae), Labcorp
Classification: Likely benign. Last evaluated: 2025-12-08. Review status: criteria provided, single submitter. Criteria: Invitae Variant Classification Sherloc (09022015). Collection method: clinical testing. Allele origin: germline.

Ambry Genetics
Classification: Likely benign for Cardiovascular phenotype. Last evaluated: 2024-03-08. Review status: criteria provided, single submitter. Criteria: Ambry Variant Classification Scheme 2023. Collection method: clinical testing. Allele origin: germline.

NM_005502.4(ABCA1):c.2601C>T (p.Gly867=)

Gene: ABCA1 (ATP binding cassette subfamily A member 1; minus strand). Cytogenetic location: 9q31.1.
Variant type: single nucleotide variant.
Coding change: c.2601C>T on transcript NM_005502.4 (MANE Select); coding-DNA position 2601, C replaced by T.
Protein change: p.Gly867=; no amino-acid change (glycine 867 retained).
Molecular consequence: synonymous variant.
Genome position (GRCh38, 1-based): chr9:104,824,520, G>A on the plus strand (C>T on the coding strand, the complement: ABCA1 is on the minus strand). VCF-style: chr9-104824520-G-A. GRCh37 (hg19) VCF-style: chr9-107586801-G-A.
Other names: c.2601C>T (NM_005502.3).
Identifiers: ClinVar variation 1641435 (VCV001641435.10), dbSNP rs143963691, ClinGen allele CA5168686.
Genomic context (GRCh38, chr9:104,824,520, plus strand): 5'-CTTACTTTCTGATATTCTCTTCTGGTTGGAACCAGGGTGGCTCTTCTCATCACTTTCCTC[G>A]CCAAACCAGTAGGACTTGGTGCAAGGAAAATACCAGGGCCTGGGAATTCCGTACTGGCCT-3'
Protein context (NP_005493.2, residues 857-877): YFPCTKSYWF[Gly867=]EESDEKSHPG